The following is an entry in ClinVar:

NM_004444.5(EPHB4):c.1054C>T (p.Arg352Ter)

Gene: EPHB4 (EPH receptor B4; minus strand). Cytogenetic location: 7q22.1.
Variant type: single nucleotide variant.
Coding change: c.1054C>T on transcript NM_004444.5 (MANE Select); coding-DNA position 1054, C replaced by T.
Protein change: p.Arg352Ter; replaces arginine 352 with a stop codon.
Molecular consequence: nonsense.
Genome position (GRCh38, 1-based): chr7:100,819,800, G>A on the plus strand (C>T on the coding strand, the complement: EPHB4 is on the minus strand). VCF-style: chr7-100819800-G-A. GRCh37 (hg19) VCF-style: chr7-100417422-G-A.
Other names: short protein forms R352*.
Identifiers: ClinVar variation 1303898 (VCV001303898.6), dbSNP rs898898802, ClinGen allele CA163285071.

ClinVar aggregate classification (germline): Conflicting classifications of pathogenicity. Review status: criteria provided, conflicting classifications (1 of 4 stars). 4 submissions from 4 submitters: Pathogenic (3); Uncertain significance (1). Last evaluated 2025-01-26.

Conditions:
EPHB4-related disorder. Also called: EPHB4-related condition; EPHB4-related disorders.
Capillary malformation-arteriovenous malformation 2 (CMAVM2). Identifiers: Orphanet 693912, MedGen C4748670, MONDO:0020785, OMIM 618196.
Cardiovascular phenotype. Identifiers: MedGen CN230736.

Allele frequency attached by ClinVar (database versions not stated): gnomAD exomes 0.00001 and below 0.00001; gnomAD 0.00004 and 0.00003; TOPMed 0.00002.
gnomAD v4.1: 5 of 1,568,162 alleles (0.00032%); highest among the groups gnomAD compares: African/African-American, 0.0041%; no homozygotes.

Submissions (4):

GeneDx
Classification: Uncertain significance. Last evaluated: 2025-01-26. Review status: criteria provided, single submitter. Criteria: GeneDx Variant Classification Process June 2021. Collection method: clinical testing. Allele origin: germline. Affected: yes.
Comment: Identified in patients with capillary malformations in published literature but familial segregation and additional clinical information was not included for all patients (PMID: 28687708); Nonsense variant predicted to result in protein truncation or nonsense mediated decay in a gene for which loss of function is a known mechanism of disease; This variant is associated with the following publications: (PMID: 28687708)

Clinical Genomics Laboratory, Washington University in St. Louis
Classification: Pathogenic for Capillary malformation-arteriovenous malformation 2. Last evaluated: 2024-11-27. Review status: criteria provided, single submitter. Criteria: ACMG Guidelines, 2015. Collection method: clinical testing. Allele origin: germline. Affected: yes.
Comment: An EPHB4 c.1054C>T (p.Arg352*) variant was identified at a heterozygous allelic fraction of 50%, a frequency that may be consistent with germline origin. This variant has been identified in two individuals with capillary malformation - arteriovenous malformation syndrome and is known to segregate with disease in at least one family (Amyere M et al., PMID: 28687708). It is only observed on 5/1,568,162 alleles in the general population (gnomAD v.4.1.0), indicating it is not a common variant. The EPHB4 c.1054C>T (p.Arg352*) variant leads to a premature termination codon, which is predicted to lead to nonsense mediated decay. Based on available information and the ACMG/AMP guidelines for variant interpretation (Richards S et al., PMID: 25741868), this variant is classified as pathogenic.

PreventionGenetics, part of Exact Sciences
Classification: Pathogenic for EPHB4-related condition. Last evaluated: 2023-09-26. Review status: criteria provided, single submitter. Criteria: ACMG Guidelines, 2015. Collection method: clinical testing. Allele origin: germline.
Comment: The EPHB4 c.1054C>T variant is predicted to result in premature protein termination (p.Arg352*). This variant was reported in individuals with capillary malformation-arteriovenous malformation (Amyere et al. 2017. PubMed ID: 28687708). This variant is reported in 0.0057% of alleles in individuals of African descent in gnomAD. Nonsense variants in EPHB4 are expected to be pathogenic. This variant is interpreted as pathogenic.

Ambry Genetics
Classification: Pathogenic for Cardiovascular phenotype. Last evaluated: 2019-08-19. Review status: criteria provided, single submitter. Criteria: Ambry Variant Classification Scheme 2023. Collection method: clinical testing. Allele origin: germline.
Comment: The p.R352* pathogenic mutation (also known as c.1054C>T), located in coding exon 6 of the EPHB4 gene, results from a C to T substitution at nucleotide position 1054. This changes the amino acid from an arginine to a stop codon within coding exon 6. This mutation was identified in 3 individuals from two families with capillary malformation-arteriovenous malformation (CM-AVM) (Amyere M et al. Circulation, 2017 Sep;136:1037-1048). In addition to the clinical data presented in the literature, this alteration is expected to result in loss of function by premature protein truncation or nonsense-mediated mRNA decay. As such, this alteration is interpreted as a disease-causing mutation.

Literature cited by the submitters: PubMed 28687708 (cited by Ambry Genetics).